The following is an entry in ClinVar:

NM_001370259.2(MEN1):c.226A>T (p.Thr76Ser)

Gene: MEN1 (menin 1; minus strand). Cytogenetic location: 11q13.1.
Variant type: single nucleotide variant.
Coding change: c.226A>T on transcript NM_001370259.2 (MANE Select); coding-DNA position 226, A replaced by T.
Protein change: p.Thr76Ser; replaces threonine 76 with serine.
Molecular consequence: missense variant.
Genome position (GRCh38, 1-based): chr11:64,809,884, T>A on the plus strand (A>T on the coding strand, the complement: MEN1 is on the minus strand). VCF-style: chr11-64809884-T-A. GRCh37 (hg19) VCF-style: chr11-64577356-T-A.
Other names: c.226A>T, p.Thr76Ser (NM_001370261.2, NM_001370262.2, NM_001370263.2 and 9 more transcripts); short protein forms T76S.
Identifiers: ClinVar variation 954170 (VCV000954170.12), dbSNP rs1592659343, ClinGen allele CA381187610.

ClinVar aggregate classification (germline): Uncertain significance. Review status: criteria provided, multiple submitters, no conflicts (2 of 4 stars). 2 submissions from 2 submitters: Uncertain significance (2). Last evaluated 2025-07-04.

Conditions:
Hereditary cancer-predisposing syndrome. Also called: Hereditary neoplastic syndrome; Tumor predisposition; Neoplastic Syndromes, Hereditary; Hereditary Cancer Syndrome. Identifiers: Orphanet 140162, MedGen C0027672, MeSH D009386, MONDO:0015356.
Multiple endocrine neoplasia, type 1 (MEN1). Also called: MEN I; WERMER SYNDROME; Endocrine adenomatosis multiple; MEN 1; MEA I. Identifiers: Orphanet 652, MedGen C0025267, MeSH D018761, MONDO:0007540, OMIM 131100.

Allele frequency attached by ClinVar (database versions not stated): gnomAD exomes below 0.00001.
gnomAD v4.1: 2 of 1,588,616 alleles (0.00013%); highest among the groups gnomAD compares: Non-Finnish European, 0.00017%; no homozygotes.

Submissions (2):

Ambry Genetics
Classification: Uncertain significance for Hereditary cancer-predisposing syndrome. Last evaluated: 2025-07-04. Review status: criteria provided, single submitter. Criteria: Ambry Variant Classification Scheme 2023. Collection method: clinical testing. Allele origin: germline.
Comment: The p.T76S variant (also known as c.226A>T), located in coding exon 1 of the MEN1 gene, results from an A to T substitution at nucleotide position 226. The threonine at codon 76 is replaced by serine, an amino acid with similar properties. This amino acid position is conserved. In addition, the in silico prediction for this alteration is inconclusive. Since supporting evidence is limited at this time, the clinical significance of this alteration remains unclear.

Labcorp Genetics (formerly Invitae), Labcorp
Classification: Uncertain significance for Multiple endocrine neoplasia, type 1. Last evaluated: 2024-02-17. Review status: criteria provided, single submitter. Criteria: Invitae Variant Classification Sherloc (09022015). Collection method: clinical testing. Allele origin: germline.
Comment: This sequence change replaces threonine, which is neutral and polar, with serine, which is neutral and polar, at codon 76 of the MEN1 protein (p.Thr76Ser). This variant is not present in population databases (gnomAD no frequency). This variant has not been reported in the literature in individuals affected with MEN1-related conditions. ClinVar contains an entry for this variant (Variation ID: 954170). Advanced modeling of protein sequence and biophysical properties (such as structural, functional, and spatial information, amino acid conservation, physicochemical variation, residue mobility, and thermodynamic stability) has been performed at Invitae for this missense variant, however the output from this modeling did not meet the statistical confidence thresholds required to predict the impact of this variant on MEN1 protein function. In summary, the available evidence is currently insufficient to determine the role of this variant in disease. Therefore, it has been classified as a Variant of Uncertain Significance.